The following is an entry in ClinVar:

NM_025114.4(CEP290):c.40G>A (p.Asp14Asn)

Gene: CEP290 (centrosomal protein 290; minus strand). Cytogenetic location: 12q21.32.
Variant type: single nucleotide variant.
Coding change: c.40G>A on transcript NM_025114.4 (MANE Select); coding-DNA position 40, G replaced by A.
Protein change: p.Asp14Asn; replaces aspartic acid 14 with asparagine.
Molecular consequence: missense variant.
Genome position (GRCh38, 1-based): chr12:88,141,268, C>T on the plus strand (G>A on the coding strand, the complement: CEP290 is on the minus strand). VCF-style: chr12-88141268-C-T. GRCh37 (hg19) VCF-style: chr12-88535045-C-T.
Other names: short protein forms D14N.
Identifiers: ClinVar variation 1474472 (VCV001474472.4), dbSNP rs769179397, ClinGen allele CA6712928.
Genomic context (GRCh38, chr12:88,141,268, plus strand): 5'-TGGATAAGGAAATCAATAAATTATCTGCCAGTTCTTCTTGACGGGGCAGGTCATCTGGGT[C>T]AACTTTCATTATTTCTTTCCAGTTTATATTAGGTGGCATCTTGAATTCTTTCACTGTGCT-3'
Protein context (NP_079390.3, residues 4-24): NINWKEIMKV[Asp14Asn]PDDLPRQEEL

ClinVar aggregate classification (germline): Uncertain significance (1 of 4 stars; one submission).

Conditions:
Nephronophthisis. Also called: Juvenile Nephronophthisis. Identifiers: Orphanet 655, MedGen C0687120, MONDO:0019005, HP:0000090.
Meckel-Gruber syndrome. Also called: DYSENCEPHALIA SPLANCHNOCYSTICA; GRUBER SYNDROME; Dysencephalia splachnocystica. Identifiers: Orphanet 564, MedGen C0265215, MONDO:0018921.
Joubert syndrome. Also called: CEREBELLOPARENCHYMAL DISORDER IV; JOUBERT-BOLTSHAUSER SYNDROME; Familial aplasia of the vermis. Identifiers: Orphanet 475, MedGen C5979921, MONDO:0018772.

Allele frequency attached by ClinVar (database versions not stated): gnomAD exomes below 0.00001; ExAC 0.00001.
gnomAD v4.1: 5 of 1,611,280 alleles (0.00031%); highest among the groups gnomAD compares: Non-Finnish European, 0.00042%; no homozygotes.

Submission:

Labcorp Genetics (formerly Invitae), Labcorp
Classification: Uncertain significance for Joubert syndrome; Meckel-Gruber syndrome; Nephronophthisis. Last evaluated: 2025-03-17. Review status: criteria provided, single submitter. Criteria: Invitae Variant Classification Sherloc (09022015). Collection method: clinical testing. Allele origin: germline.
Comment: This sequence change replaces aspartic acid, which is acidic and polar, with asparagine, which is neutral and polar, at codon 14 of the CEP290 protein (p.Asp14Asn). This variant is not present in population databases (gnomAD no frequency). This variant has not been reported in the literature in individuals affected with CEP290-related conditions. ClinVar contains an entry for this variant (Variation ID: 1474472). Invitae Evidence Modeling of protein sequence and biophysical properties (such as structural, functional, and spatial information, amino acid conservation, physicochemical variation, residue mobility, and thermodynamic stability) indicates that this missense variant is not expected to disrupt CEP290 protein function with a negative predictive value of 80%. In summary, the available evidence is currently insufficient to determine the role of this variant in disease. Therefore, it has been classified as a Variant of Uncertain Significance.